The following is an entry in ClinVar:

ClinVar aggregate classification (germline): Uncertain significance (1 of 4 stars; one submission).

Submission:

GeneDx
Classification: Uncertain significance. Last evaluated: 2019-12-13. Review status: criteria provided, single submitter. Criteria: GeneDx Variant Classification Process June 2021. Collection method: clinical testing. Allele origin: germline. Affected: yes.
Comment: Not observed in large population cohorts (Lek et al., 2016); In-silico analysis, which includes splice predictors and evolutionary conservation, is inconclusive as to whether the variant alters gene splicing. In the absence of RNA/functional studies, the actual effect of this sequence change is unknown.; Has not been previously published as pathogenic or benign to our knowledge

NM_001148.6(ANK2):c.1783-6T>A

Gene: ANK2 (ankyrin 2; plus strand). Cytogenetic location: 4q26.
Variant type: single nucleotide variant.
Coding change: c.1783-6T>A on transcript NM_001148.6 (MANE Select); 6 bases into the intron before coding-DNA position 1783, T replaced by A.
Molecular consequence: intron variant.
Genome position (GRCh38, 1-based): chr4:113,278,454, T>A. VCF-style: chr4-113278454-T-A. GRCh37 (hg19) VCF-style: chr4-114199610-T-A.
Other names: c.1771-6T>A (NM_001386186.2, NM_001386148.2); c.1573-6T>A (NM_001354269.3); c.1747-6T>A (NM_001386187.2); c.1741-6T>A (NM_001386147.1, NM_001386160.1, NM_001354261.2); c.1720-6T>A (NM_001354254.2, NM_001354239.2, NM_001354252.2 and 10 more transcripts); c.1719+519T>A (NM_001354253.2, NM_001354270.2, NM_001354257.2 and 1 more transcripts); c.1696-6T>A (NM_001354249.2, NM_001354266.2, NM_001354276.2 and 10 more transcripts); c.1695+519T>A (NM_001386151.1, NM_001354260.2, NM_001354271.2); and 8 more.
Identifiers: ClinVar variation 1320467 (VCV001320467.2), dbSNP rs755852818, ClinGen allele CA103784742.